The following is an entry in ClinVar:

NM_053025.4(MYLK):c.5053T>C (p.Phe1685Leu)

Genes: MYLK (myosin light chain kinase; minus strand), MYLK-AS1 (MYLK antisense RNA 1; plus strand), LOC126806791 (MED14-independent group 3 enhancer GRCh37_chr3:123347871-123349070; plus strand). Cytogenetic location: 3q21.1.
Variant type: single nucleotide variant.
Coding change: c.5053T>C on transcript NM_053025.4 (MANE Select); coding-DNA position 5053, T replaced by C.
Protein change: p.Phe1685Leu; replaces phenylalanine 1685 with leucine.
Molecular consequence: missense variant. On other transcripts: non-coding transcript variant (2), intron variant (2).
Genome position (GRCh38, 1-based): chr3:123,629,535, A>G on the plus strand (T>C on the coding strand, the complement: MYLK is on the minus strand). VCF-style: chr3-123629535-A-G. GRCh37 (hg19) VCF-style: chr3-123348382-A-G.
Other names: c.4525T>C, p.Phe1509Leu (NM_001321309.2); c.4846T>C, p.Phe1616Leu (NM_053026.4); c.4755-2594T>C (NM_053028.4); c.4962-2594T>C (NM_053027.4); short protein forms F1509L, F1616L, F1685L.
Identifiers: ClinVar variation 2888605 (VCV002888605.3), dbSNP rs781190664, ClinGen allele CA82944814.

ClinVar aggregate classification (germline): Uncertain significance (1 of 4 stars; one submission).

Conditions:
Aortic aneurysm, familial thoracic 7 (AAT7). Also called: AORTIC DISSECTION, FAMILIAL, WITH OR WITHOUT AORTIC ANEURYSM. Identifiers: MedGen C3151077, MONDO:0013418, OMIM 613780.

Allele frequency attached by ClinVar (database versions not stated): gnomAD 0.00001; gnomAD exomes 0.00001; TOPMed 0.00002.
gnomAD v4.1: 10 of 1,614,040 alleles (0.00062%); highest among the groups gnomAD compares: Non-Finnish European, 0.00085%; no homozygotes.

Submission:

Labcorp Genetics (formerly Invitae), Labcorp
Classification: Uncertain significance for Aortic aneurysm, familial thoracic 7. Last evaluated: 2025-08-05. Review status: criteria provided, single submitter. Criteria: Invitae Variant Classification Sherloc (09022015). Collection method: clinical testing. Allele origin: germline.
Comment: This sequence change replaces phenylalanine, which is neutral and non-polar, with leucine, which is neutral and non-polar, at codon 1685 of the MYLK protein (p.Phe1685Leu). This variant is not present in population databases (gnomAD no frequency). This variant has not been reported in the literature in individuals affected with MYLK-related conditions. ClinVar contains an entry for this variant (Variation ID: 2888605). Invitae Evidence Modeling of protein sequence and biophysical properties (such as structural, functional, and spatial information, amino acid conservation, physicochemical variation, residue mobility, and thermodynamic stability) indicates that this missense variant is not expected to disrupt MYLK protein function with a negative predictive value of 95%. In summary, the available evidence is currently insufficient to determine the role of this variant in disease. Therefore, it has been classified as a Variant of Uncertain Significance.